The following is an entry in ClinVar:

NM_032634.4(PIGO):c.2050G>A (p.Val684Met)

Gene: PIGO (phosphatidylinositol glycan anchor biosynthesis class O; minus strand). Cytogenetic location: 9p13.3.
Variant type: single nucleotide variant.
Coding change: c.2050G>A on transcript NM_032634.4 (MANE Select); coding-DNA position 2050, G replaced by A.
Protein change: p.Val684Met; replaces valine 684 with methionine.
Molecular consequence: missense variant. On other transcripts: intron variant (2).
Genome position (GRCh38, 1-based): chr9:35,091,837, C>T on the plus strand (G>A on the coding strand, the complement: PIGO is on the minus strand). VCF-style: chr9-35091837-C-T. GRCh37 (hg19) VCF-style: chr9-35091834-C-T.
Other names: c.1345-546G>A (NM_152850.4, NM_001201484.2); short protein forms V684M.
Identifiers: ClinVar variation 942833 (VCV000942833.7), dbSNP rs761745437, ClinGen allele CA5040514.

ClinVar aggregate classification (germline): Uncertain significance (1 of 4 stars; one submission).

Conditions:
Hyperphosphatasia with impaired intellectual development syndrome 2. Also called: Hyperphosphatasia with intellectual disability syndrome 2; GLYCOSYLPHOSPHATIDYLINOSITOL BIOSYNTHESIS DEFECT 6. Identifiers: Orphanet 247262, MedGen C3553637, MONDO:0013882, OMIM 614749.

Allele frequency attached by ClinVar (database versions not stated): ExAC 0.00002; gnomAD exomes 0.00001 and 0.00002; TOPMed 0.00002; gnomAD 0.00001.
gnomAD v4.1: 31 of 1,613,866 alleles (0.0019%); highest among the groups gnomAD compares: African/African-American, 0.0027%; no homozygotes.

Submission:

Labcorp Genetics (formerly Invitae), Labcorp
Classification: Uncertain significance for Hyperphosphatasia with impaired intellectual development syndrome 2. Last evaluated: 2022-05-03. Review status: criteria provided, single submitter. Criteria: Invitae Variant Classification Sherloc (09022015). Collection method: clinical testing. Allele origin: germline.
Comment: This sequence change replaces valine, which is neutral and non-polar, with methionine, which is neutral and non-polar, at codon 684 of the PIGO protein (p.Val684Met). The frequency data for this variant in the population databases is considered unreliable, as metrics indicate poor data quality at this position in the gnomAD database. This variant has not been reported in the literature in individuals affected with PIGO-related conditions. ClinVar contains an entry for this variant (Variation ID: 942833). Algorithms developed to predict the effect of missense changes on protein structure and function are either unavailable or do not agree on the potential impact of this missense change (SIFT: "Deleterious"; PolyPhen-2: "Benign"; Align-GVGD: "Class C0"). In summary, the available evidence is currently insufficient to determine the role of this variant in disease. Therefore, it has been classified as a Variant of Uncertain Significance.